The following is an entry in ClinVar:

NM_153610.5(CMYA5):c.11877C>T (p.Leu3959=)

Gene: CMYA5 (cardiomyopathy associated 5; plus strand). Cytogenetic location: 5q14.1.
Variant type: single nucleotide variant.
Coding change: c.11877C>T on transcript NM_153610.5 (MANE Select); coding-DNA position 11877, C replaced by T.
Protein change: p.Leu3959=; no amino-acid change (leucine 3959 retained).
Molecular consequence: synonymous variant.
Genome position (GRCh38, 1-based): chr5:79,793,524, C>T. VCF-style: chr5-79793524-C-T. GRCh37 (hg19) VCF-style: chr5-79089347-C-T.
Identifiers: ClinVar variation 2655565 (VCV002655565.24), dbSNP rs148082008, ClinGen allele CA3323348.

ClinVar aggregate classification (germline): Likely benign (1 of 4 stars; one submission).

Allele frequency attached by ClinVar (database versions not stated): 1000 Genomes Project 30x 0.00016; 1000 Genomes Project 0.00020; gnomAD 0.00040; TOPMed 0.00044; ESP Exome Variant Server 0.00048.
gnomAD v4.1: 779 of 1,613,886 alleles (0.048%); highest among the groups gnomAD compares: Admixed American, 0.1%; 3 homozygotes.

Submission:

CeGaT Center for Human Genetics Tuebingen
Classification: Likely benign. Last evaluated: 2023-03-01. Review status: criteria provided, single submitter. Criteria: CeGaT Center For Human Genetics Tuebingen Variant Classification Criteria Version 2. Collection method: clinical testing. Allele origin: germline. Affected: yes. Observed: 1 variant allele.
Comment: CMYA5: BP4, BP7